The following is an entry in ClinVar:

ClinVar aggregate classification (germline): Uncertain significance. Review status: criteria provided, multiple submitters, no conflicts (2 of 4 stars). 2 submissions from 2 submitters: Uncertain significance (2). Last evaluated 2025-03-05.

Conditions:
Early-infantile DEE. Also called: Early infantile epileptic encephalopathy with suppression bursts; Early infantile epileptic encephalopathy; Ohtahara syndrome. Identifiers: Orphanet 1934, MedGen C0393706, MONDO:0800491.
Inborn genetic diseases. Identifiers: MedGen C0950123, MeSH D030342.

Submissions (2):

Labcorp Genetics (formerly Invitae), Labcorp
Classification: Uncertain significance for Early-infantile DEE. Last evaluated: 2025-03-05. Review status: criteria provided, single submitter. Criteria: Invitae Variant Classification Sherloc (09022015). Collection method: clinical testing. Allele origin: germline.
Comment: This sequence change replaces isoleucine, which is neutral and non-polar, with methionine, which is neutral and non-polar, at codon 801 of the KCNH5 protein (p.Ile801Met). This variant is not present in population databases (gnomAD no frequency). This variant has not been reported in the literature in individuals affected with KCNH5-related conditions. Invitae Evidence Modeling of protein sequence and biophysical properties (such as structural, functional, and spatial information, amino acid conservation, physicochemical variation, residue mobility, and thermodynamic stability) indicates that this missense variant is not expected to disrupt KCNH5 protein function with a negative predictive value of 95%. In summary, the available evidence is currently insufficient to determine the role of this variant in disease. Therefore, it has been classified as a Variant of Uncertain Significance.

Ambry Genetics
Classification: Uncertain significance for Inborn genetic diseases. Last evaluated: 2025-01-16. Review status: criteria provided, single submitter. Criteria: Ambry Variant Classification Scheme 2023. Collection method: clinical testing. Allele origin: germline.

NM_139318.5(KCNH5):c.2403A>G (p.Ile801Met)

Gene: KCNH5 (potassium voltage-gated channel subfamily H member 5; minus strand). Cytogenetic location: 14q23.2.
Variant type: single nucleotide variant.
Coding change: c.2403A>G on transcript NM_139318.5 (MANE Select); coding-DNA position 2403, A replaced by G.
Protein change: p.Ile801Met; replaces isoleucine 801 with methionine.
Molecular consequence: missense variant. On other transcripts: 3 prime UTR variant (1).
Genome position (GRCh38, 1-based): chr14:62,708,072, T>C on the plus strand (A>G on the coding strand, the complement: KCNH5 is on the minus strand). VCF-style: chr14-62708072-T-C. GRCh37 (hg19) VCF-style: chr14-63174790-T-C.
Other names: c.*370A>G (NM_172375.3); short protein forms I801M.
Identifiers: ClinVar variation 3862790 (VCV003862790.2).